The following is an entry in ClinVar:

ClinVar aggregate classification (germline): Likely pathogenic (1 of 4 stars; one submission).

Conditions:
DNMT3A-related disorder. Also called: DNMT3A-related condition; DNMT3A-related disorders.

Submission:

Rady Children's Institute for Genomic Medicine, Rady Children's Hospital San Diego
Classification: Likely pathogenic for DNMT3A-related disorders. Review status: criteria provided, single submitter. Criteria: ACMG Guidelines, 2015. Collection method: clinical testing. Allele origin: germline. Affected: yes.
Comment: This variant has not been previously reported or functionally characterized in the literature to our knowledge. The DNMT3A gene is constrained against missense variation (Z-score= 3.45) and missense variants located in functional domains of DNMT3A are a common mechanism of disease (HGMD, ClinVar database). The c.1661G>C (p.Cys554Ser) variant is absent from the gnomAD population database and thus presumed to be rare. It affects a highly conserved amino acid and is predicted by multiple in silico tools to have a deleterious effect on protein function. Analysis of the parental samples was negative for the variant, indicating this variant likely occurred as a de novo event. Based on the available evidence, the c.1661G>C (p.Cys554Ser) variant is classified as Likely Pathogenic.

NM_022552.5(DNMT3A):c.1661G>C (p.Cys554Ser)

Gene: DNMT3A (DNA methyltransferase 3 alpha; minus strand). Cytogenetic location: 2p23.3.
Variant type: single nucleotide variant.
Coding change: c.1661G>C on transcript NM_022552.5 (MANE Select); coding-DNA position 1661, G replaced by C.
Protein change: p.Cys554Ser; replaces cysteine 554 with serine.
Molecular consequence: missense variant. On other transcripts: non-coding transcript variant (1).
Genome position (GRCh38, 1-based): chr2:25,244,546, C>G on the plus strand (G>C on the coding strand, the complement: DNMT3A is on the minus strand). VCF-style: chr2-25244546-C-G. GRCh37 (hg19) VCF-style: chr2-25467415-C-G.
Other names: c.1205G>C, p.Cys402Ser (NM_001320893.1); c.992G>C, p.Cys331Ser (NM_001375819.1); c.1094G>C, p.Cys365Ser (NM_153759.3); c.1661G>C, p.Cys554Ser (NM_175629.2); short protein forms C331S, C365S, C402S, C554S.
Identifiers: ClinVar variation 2584521 (VCV002584521.1), dbSNP rs2465481804, ClinGen allele CA346072070.